The following is an entry in ClinVar:

NM_000091.5(COL4A3):c.1132G>A (p.Gly378Arg)

Genes: COL4A3 (collagen type IV alpha 3 chain; plus strand), MFF-DT (MFF divergent transcript; minus strand). Cytogenetic location: 2q36.3.
Variant type: single nucleotide variant.
Coding change: c.1132G>A on transcript NM_000091.5 (MANE Select); coding-DNA position 1132, G replaced by A.
Protein change: p.Gly378Arg; replaces glycine 378 with arginine.
Molecular consequence: missense variant.
Genome position (GRCh38, 1-based): chr2:227,261,099, G>A. VCF-style: chr2-227261099-G-A. GRCh37 (hg19) VCF-style: chr2-228125815-G-A.
Other names: c.1132G>A (NM_000091.4); short protein forms G378R.
Identifiers: ClinVar variation 1441244 (VCV001441244.12), dbSNP rs2125961933, ClinGen allele CA350868617.

ClinVar aggregate classification (germline): Pathogenic/Likely pathogenic. Review status: criteria provided, multiple submitters, no conflicts (2 of 4 stars). 6 submissions from 6 submitters: Pathogenic (1); Likely pathogenic (5). Last evaluated 2025-10-01.

Conditions:
COL4A3-related disorder. Also called: COL4A3-Related Disorders; COL4A3-related condition.
Alport syndrome. Also called: Hemorrhagic familial nephritis; Hemorrhagic hereditary nephritis; Congenital hereditary hematuria. Identifiers: Orphanet 63, MedGen C1567741, MONDO:0018965.
Autosomal dominant Alport syndrome (ATS3A). Also called: Alport syndrome dominant type; Renal failure and sensorineural hearing loss; ALPORT SYNDROME 3A, AUTOSOMAL DOMINANT. Identifiers: Orphanet 63, Orphanet 88918, MedGen C5882663, MONDO:0007086, OMIM 104200.
Alport syndrome 3b, autosomal recessive. Identifiers: MedGen C5882699, MONDO:0957811, OMIM 620536.
Hematuria, benign familial, 2 (BFH2). Identifiers: MedGen C5830421, MONDO:0958186, OMIM 620320.

Allele frequency attached by ClinVar (database versions not stated): gnomAD exomes below 0.00001.
gnomAD v4.1: 4 of 1,612,098 alleles (0.00025%); highest among the groups gnomAD compares: South Asian, 0.0011%; no homozygotes.

Submissions (6):

Natera, Inc.
Classification: Likely pathogenic for Alport syndrome. Last evaluated: 2025-10-01. Review status: criteria provided, single submitter. Criteria: Natera Variant Classification Schema (03/2026). Collection method: clinical testing. Allele origin: germline.
Comment: The c.1132G>A variant in COL4A3 is a missense variant predicted to cause substitution of glycine to arginine at amino acid 378. This variant is rare in the general population with a frequency below the threshold expected for the associated phenotype(s). This variant is located in a functionally critical region of the protein. Computational prediction algorithms indicate this variant is likely to affect gene or protein function. Given the available evidence, this variant is classified as Likely Pathogenic.

Blueprint Genetics
Classification: Likely pathogenic for COL4A3-related disorders. Last evaluated: 2024-10-24. Review status: criteria provided, single submitter. Criteria: ACMG Guidelines, 2015. Collection method: clinical testing. Allele origin: germline. Affected: yes. Observed: 2 variant alleles.

Labcorp Genetics (formerly Invitae), Labcorp
Classification: Pathogenic. Last evaluated: 2024-02-26. Review status: criteria provided, single submitter. Criteria: Invitae Variant Classification Sherloc (09022015). Collection method: clinical testing. Allele origin: germline.
Comment: This sequence change replaces glycine, which is neutral and non-polar, with arginine, which is basic and polar, at codon 378 of the COL4A3 protein (p.Gly378Arg). This variant is not present in population databases (gnomAD no frequency). This missense change has been observed in individual(s) with clinical features of Alport syndrome (Invitae). In at least one individual the data is consistent with being in trans (on the opposite chromosome) from a pathogenic variant. ClinVar contains an entry for this variant (Variation ID: 1441244). Advanced modeling of protein sequence and biophysical properties (such as structural, functional, and spatial information, amino acid conservation, physicochemical variation, residue mobility, and thermodynamic stability) has been performed at Invitae for this missense variant, however the output from this modeling did not meet the statistical confidence thresholds required to predict the impact of this variant on COL4A3 protein function. Algorithms developed to predict the effect of sequence changes on RNA splicing suggest that this variant may disrupt the consensus splice site. This variant disrupts the p.Gly378 amino acid residue in COL4A3. Other variant(s) that disrupt this residue have been observed in individuals with COL4A3-related conditions (PMID: 33772369), which suggests that this may be a clinically significant amino acid residue. For these reasons, this variant has been classified as Pathogenic.

Fulgent Genetics
Classification: Likely pathogenic for Autosomal dominant Alport syndrome; Hematuria, benign familial, 2; Alport syndrome 3b, autosomal recessive. Last evaluated: 2024-01-25. Review status: criteria provided, single submitter. Criteria: ACMG Guidelines, 2015. Collection method: clinical testing. Allele origin: germline.

Victorian Clinical Genetics Services, Murdoch Childrens Research Institute
Classification: Likely pathogenic for Alport syndrome. Last evaluated: 2023-07-17. Review status: criteria provided, single submitter. Criteria: ACMG Guidelines, 2015. Collection method: clinical testing. Allele origin: germline. Affected: yes.
Comment: Based on the classification scheme VCGS_Germline_v1.3.4, this variant is classified as Likely pathogenic. Following criteria are met: 0103 - Dominant negative and loss of function are known mechanisms of disease in this gene and are associated with Alport syndrome, MONDO:0018965, COL4A3-related. Glycine changes that are part of a G-X-Y repeat in the triple helix of a collagen domain are known to have a dominant negative effect (PMID: 12028435). (I) 0108 - This gene is associated with both recessive (Alport syndrome 2 MIM#203780) and dominant disease (Alport syndrome 3 MIM#104200 and benign familial haematuria MIM#141200) (OMIM). (I) 0200 - Variant is predicted to result in a missense amino acid change from glycine to arginine. (I) 0251 - This variant is heterozygous. (I) 0301 - Variant is absent from gnomAD (both v2 and v3). (SP) 0501 - Missense variant consistently predicted to be damaging by multiple in silico tools or highly conserved with a major amino acid change. (SP) 0601 - Variant is located in the well-established functional Gly-X-Y motif within the collagen repeat domain, and affects a glycine residue (DECIPHER). (SP) 0703 - Other missense variants comparable to the one identified in this case have moderate previous evidence for pathogenicity. p.(Gly378Glu) has been classified as likely pathogenic in an individual with Alport syndrome (LOVD), and p.(Gly378Val) has been classified as likely pathogenic in an individual with Alport syndrome where it was observed as compound heterozygous (PMID: 33772369). (SP) 0809 - Previous evidence of pathogenicity for this variant is inconclusive. This variant has been classified as a VUS by a clinical laboratory in ClinVar. (I) 0905 - No published segregation evidence has been identified for this variant. (I) 1007 - No published functional evidence has been identified for this variant. (I) 1208 - Inheritance information for this variant is not currently available in this individual. (I) Legend: (SP) - Supporting pathogenic, (I) - Information, (SB) - Supporting benign

PreventionGenetics, part of Exact Sciences
Classification: Likely pathogenic for COL4A3-related condition. Last evaluated: 2023-07-11. Review status: criteria provided, single submitter. Criteria: ACMG Guidelines, 2015. Collection method: clinical testing. Allele origin: germline.
Comment: The COL4A3 c.1132G>A variant is predicted to result in the amino acid substitution p.Gly378Arg. To our knowledge, this variant has not been reported in the literature or in a large population database, indicating this variant is rare. The p.Gly378 residue is located in the conserved triple helical domain, where substitutions of the glycine are usually pathogenic (UniProt residues 43-1438, Hudson et al. 1993. PubMed ID: 8253711). Different substitutions of this Gly residue (p.Gly378Glu, p.Gly378Val) have been reported in patients with COL4A3-related disorders (Gibson et al 2021. PubMed ID: 34400539; Zhang et al 2021. PubMed ID: 33772369). This variant is interpreted as likely pathogenic.

Literature cited by the submitters: PubMed 33772369 (cited by Labcorp Genetics (formerly Invitae), Labcorp and Victorian Clinical Genetics Services, Murdoch Childrens Research Institute); PubMed 12028435 (cited by Victorian Clinical Genetics Services, Murdoch Childrens Research Institute).